The following is an entry in ClinVar:

NM_002180.3(IGHMBP2):c.588G>C (p.Gln196His)

Gene: IGHMBP2 (immunoglobulin mu DNA binding protein 2; plus strand). Cytogenetic location: 11q13.3.
Variant type: single nucleotide variant.
Coding change: c.588G>C on transcript NM_002180.3 (MANE Select); coding-DNA position 588, G replaced by C.
Protein change: p.Gln196His; replaces glutamine 196 with histidine.
Molecular consequence: missense variant.
Genome position (GRCh38, 1-based): chr11:68,911,480, G>C. VCF-style: chr11-68911480-G-C. GRCh37 (hg19) VCF-style: chr11-68678948-G-C.
Other names: short protein forms Q196H.
Identifiers: ClinVar variation 963304 (VCV000963304.8), dbSNP rs1280728139, ClinGen allele CA381643744.

ClinVar aggregate classification (germline): Uncertain significance (1 of 4 stars; one submission).

Conditions:
Charcot-Marie-Tooth disease axonal type 2S. Also called: CHARCOT-MARIE-TOOTH DISEASE, AXONAL, AUTOSOMAL RECESSIVE, TYPE 2S; CHARCOT-MARIE-TOOTH NEUROPATHY, TYPE 2S. Identifiers: Orphanet 443073, MedGen C4015349, MONDO:0014511, OMIM 616155.
Autosomal recessive distal spinal muscular atrophy 1. Also called: SEVERE INFANTILE AXONAL NEUROPATHY WITH RESPIRATORY FAILURE; SPINAL MUSCULAR ATROPHY, DIAPHRAGMATIC; Spinal muscular atrophy with respiratory distress 1; NEURONOPATHY, DISTAL HEREDITARY MOTOR, HARDING TYPE VI; NEUROPATHY, DISTAL HEREDITARY MOTOR, AUTOSOMAL RECESSIVE 1; HMN VI. Identifiers: Orphanet 98920, MedGen C1858517, MONDO:0011436, OMIM 604320.

Submission:

Labcorp Genetics (formerly Invitae), Labcorp
Classification: Uncertain significance for Autosomal recessive distal spinal muscular atrophy 1; Charcot-Marie-Tooth disease axonal type 2S. Last evaluated: 2019-10-10. Review status: criteria provided, single submitter. Criteria: Invitae Variant Classification Sherloc (09022015). Collection method: clinical testing. Allele origin: germline.
Comment: This sequence change replaces glutamine with histidine at codon 196 of the IGHMBP2 protein (p.Gln196His). The glutamine residue is highly conserved and there is a small physicochemical difference between glutamine and histidine. This variant is not present in population databases (ExAC no frequency). This variant has not been reported in the literature in individuals with IGHMBP2-related conditions. Algorithms developed to predict the effect of missense changes on protein structure and function are either unavailable or do not agree on the potential impact of this missense change (SIFT: "Deleterious"; PolyPhen-2: "Probably Damaging"; Align-GVGD: "Class C0"). This variant disrupts the p.Gln196 amino acid residue in IGHMBP2. Other variant(s) that disrupt this residue have been observed in individuals with IGHMBP2-related conditions (PMID: 15108294), which suggests that this may be a clinically significant amino acid residue. In summary, the available evidence is currently insufficient to determine the role of this variant in disease. Therefore, it has been classified as a Variant of Uncertain Significance.

Literature cited by the submitters: PubMed 15108294.